The following is an entry in ClinVar:

ClinVar aggregate classification (germline): Uncertain significance (1 of 4 stars; one submission).

Conditions:
Familial adenomatous polyposis 1 (FAP1). Also called: POLYPOSIS, ADENOMATOUS INTESTINAL; FAMILIAL ADENOMATOUS POLYPOSIS 1, ATTENUATED. Identifiers: MedGen C2713442, MONDO:0021056, OMIM 175100. Disease mechanism: loss of function.

Submission:

Labcorp Genetics (formerly Invitae), Labcorp
Classification: Uncertain significance for Familial adenomatous polyposis 1. Last evaluated: 2023-08-16. Review status: criteria provided, single submitter. Criteria: Invitae Variant Classification Sherloc (09022015). Collection method: clinical testing. Allele origin: germline.
Comment: This sequence change replaces histidine, which is basic and polar, with proline, which is neutral and non-polar, at codon 1013 of the APC protein (p.His1013Pro). This variant is not present in population databases (gnomAD no frequency). This variant has not been reported in the literature in individuals affected with APC-related conditions. ClinVar contains an entry for this variant (Variation ID: 2135042). Advanced modeling of protein sequence and biophysical properties (such as structural, functional, and spatial information, amino acid conservation, physicochemical variation, residue mobility, and thermodynamic stability) performed at Invitae indicates that this missense variant is not expected to disrupt APC protein function. In summary, the available evidence is currently insufficient to determine the role of this variant in disease. Therefore, it has been classified as a Variant of Uncertain Significance.

NM_000038.6(APC):c.3038A>C (p.His1013Pro)

Gene: APC (APC regulator of Wnt signaling pathway; plus strand). Cytogenetic location: 5q22.2.
Variant type: single nucleotide variant.
Coding change: c.3038A>C on transcript NM_000038.6 (MANE Select); coding-DNA position 3038, A replaced by C.
Protein change: p.His1013Pro; replaces histidine 1013 with proline.
Molecular consequence: missense variant.
Genome position (GRCh38, 1-based): chr5:112,838,632, A>C. VCF-style: chr5-112838632-A-C. GRCh37 (hg19) VCF-style: chr5-112174329-A-C.
Other names: c.3038A>C, p.His1013Pro (NM_001127510.3, NM_001354895.2, NM_001407450.1); c.2984A>C, p.His995Pro (NM_001127511.3); c.3092A>C, p.His1031Pro (NM_001354896.2, NM_001407447.1, NM_001407448.1 and 1 more transcripts); c.3068A>C, p.His1023Pro (NM_001354897.2); c.2963A>C, p.His988Pro (NM_001354898.2); c.2954A>C, p.His985Pro (NM_001354899.2); c.2915A>C, p.His972Pro (NM_001354900.2); c.2861A>C, p.His954Pro (NM_001354901.2, NM_001407453.1); and 11 more; short protein forms H1003P, H1031P, H730P, H930P, H985P, H1006P, H1013P, H922P.
Identifiers: ClinVar variation 2135042 (VCV002135042.4), dbSNP rs1554084653, ClinGen allele CA16027978.
Genomic context (GRCh38, chr5:112,838,632, plus strand): 5'-AGTTTTGCAGTTATGGTCAATACCCAGCCGACCTAGCCCATAAAATACATAGTGCAAATC[A>C]TATGGATGATAATGATGGAGAACTAGATACACCAATAAATTATAGTCTTAAATATTCAGA-3'
Protein context (NP_000029.2, residues 1003-1023): DLAHKIHSAN[His1013Pro]MDDNDGELDT